The following is an entry in ClinVar:

ClinVar aggregate classification (germline): Likely pathogenic (1 of 4 stars; one submission).

Conditions:
Brody myopathy. Also called: BRODY DISEASE. Identifiers: Orphanet 53347, MedGen C1832918, MONDO:0010977, OMIM 601003.

Allele frequency attached by ClinVar (database versions not stated): gnomAD 0.00001.
gnomAD v4.1: 11 of 1,613,774 alleles (0.00068%); highest among the groups gnomAD compares: South Asian, 0.0099%; no homozygotes.

Submission:

Labcorp Genetics (formerly Invitae), Labcorp
Classification: Likely pathogenic for Brody myopathy. Last evaluated: 2022-07-21. Review status: criteria provided, single submitter. Criteria: Invitae Variant Classification Sherloc (09022015). Collection method: clinical testing. Allele origin: germline.
Comment: In summary, the currently available evidence indicates that the variant is pathogenic, but additional data are needed to prove that conclusively. Therefore, this variant has been classified as Likely Pathogenic. Algorithms developed to predict the effect of sequence changes on RNA splicing suggest that this variant may disrupt the consensus splice site. This sequence change affects a donor splice site in intron 1 of the ATP2A1 gene. It is expected to disrupt RNA splicing. Variants that disrupt the donor or acceptor splice site typically lead to a loss of protein function (PMID: 16199547), and loss-of-function variants in ATP2A1 are known to be pathogenic (PMID: 8841193, 10914677, 23911890). This variant is present in population databases (no rsID available, gnomAD 0.003%). This variant has not been reported in the literature in individuals affected with ATP2A1-related conditions.

Literature cited by the submitters: PubMed 16199547; PubMed 8841193; PubMed 10914677; PubMed 23911890.

NM_004320.6(ATP2A1):c.118+1G>T

Gene: ATP2A1 (ATPase sarcoplasmic/endoplasmic reticulum Ca2+ transporting 1; plus strand). Cytogenetic location: 16p11.2.
Variant type: single nucleotide variant.
Coding change: c.118+1G>T on transcript NM_004320.6 (MANE Select); the canonical splice donor site of the intron after coding-DNA position 118, G replaced by T.
Molecular consequence: splice donor variant.
Genome position (GRCh38, 1-based): chr16:28,878,790, G>T. VCF-style: chr16-28878790-G-T. GRCh37 (hg19) VCF-style: chr16-28890111-G-T.
Other names: c.118+1G>T (NM_173201.5).
Identifiers: ClinVar variation 2154061 (VCV002154061.4), dbSNP rs992119026, ClinGen allele CA395399629.